The following is an entry in ClinVar:

NM_001844.5(COL2A1):c.3424C>T (p.Pro1142Ser)

Gene: COL2A1 (collagen type II alpha 1 chain; minus strand). Cytogenetic location: 12q13.11.
Variant type: single nucleotide variant.
Coding change: c.3424C>T on transcript NM_001844.5 (MANE Select); coding-DNA position 3424, C replaced by T.
Protein change: p.Pro1142Ser; replaces proline 1142 with serine.
Molecular consequence: missense variant.
Genome position (GRCh38, 1-based): chr12:47,976,823, G>A on the plus strand (C>T on the coding strand, the complement: COL2A1 is on the minus strand). VCF-style: chr12-47976823-G-A. GRCh37 (hg19) VCF-style: chr12-48370606-G-A.
Other names: c.3217C>T, p.Pro1073Ser (NM_033150.3); short protein forms P1073S, P1142S.
Identifiers: ClinVar variation 3680480 (VCV003680480.2).
Genomic context (GRCh38, chr12:47,976,823, plus strand): 5'-CTGTGTGGCAGGAGGCCTCGGGAAGTCCCACGCAGGCAGTGACACTCACAGGAGGGCCGG[G>A]CAGACCCTGCAGACCAGTGAAGCCACGGTGTCCCTTCAGGCCTCTCTCGCCAGGCTCTCC-3'
Protein context (NP_001835.3, residues 1132-1152): HRGFTGLQGL[Pro1142Ser]GPPGPSGDQG

ClinVar aggregate classification (germline): Uncertain significance (1 of 4 stars; one submission).

gnomAD v4.1: 8 of 1,612,954 alleles (0.0005%); highest among the groups gnomAD compares: Middle Eastern, 0.033%; no homozygotes.

Submission:

Labcorp Genetics (formerly Invitae), Labcorp
Classification: Uncertain significance. Last evaluated: 2024-09-12. Review status: criteria provided, single submitter. Criteria: Invitae Variant Classification Sherloc (09022015). Collection method: clinical testing. Allele origin: germline.
Comment: This sequence change replaces proline, which is neutral and non-polar, with serine, which is neutral and polar, at codon 1142 of the COL2A1 protein (p.Pro1142Ser). This variant is not present in population databases (gnomAD no frequency). This variant has not been reported in the literature in individuals affected with COL2A1-related conditions. Invitae Evidence Modeling of protein sequence and biophysical properties (such as structural, functional, and spatial information, amino acid conservation, physicochemical variation, residue mobility, and thermodynamic stability) indicates that this missense variant is not expected to disrupt COL2A1 protein function with a negative predictive value of 80%. In summary, the available evidence is currently insufficient to determine the role of this variant in disease. Therefore, it has been classified as a Variant of Uncertain Significance.